The following is an entry in ClinVar:

NM_032119.4(ADGRV1):c.18753C>T (p.Ala6251=)

Gene: ADGRV1 (adhesion G protein-coupled receptor V1; plus strand). Cytogenetic location: 5q14.3.
Variant type: single nucleotide variant.
Coding change: c.18753C>T on transcript NM_032119.4 (MANE Select); coding-DNA position 18753, C replaced by T.
Protein change: p.Ala6251=; no amino-acid change (alanine 6251 retained).
Molecular consequence: synonymous variant. On other transcripts: non-coding transcript variant (1).
Genome position (GRCh38, 1-based): chr5:91,153,349, C>T. VCF-style: chr5-91153349-C-T. GRCh37 (hg19) VCF-style: chr5-90449166-C-T.
Identifiers: ClinVar variation 1208756 (VCV001208756.11), dbSNP rs368397218, ClinGen allele CA3342729.

ClinVar aggregate classification (germline): Likely benign. Review status: criteria provided, multiple submitters, no conflicts (2 of 4 stars). 4 submissions from 4 submitters: Likely benign (3). 1 of the submissions does not count toward it. Last evaluated 2026-01-05.

Conditions:
ADGRV1-related disorder. Also called: ADGRV1-related disorders; ADGRV1-related condition.

Allele frequency attached by ClinVar (database versions not stated): ExAC 0.00002; gnomAD exomes 0.00003; gnomAD 0.00007 and 0.00008; TOPMed 0.00007; ESP Exome Variant Server 0.00008.
gnomAD v4.1: 167 of 1,611,676 alleles (0.01%); highest among the groups gnomAD compares: Non-Finnish European, 0.013%; no homozygotes.

Submissions (4):

Labcorp Genetics (formerly Invitae), Labcorp
Classification: Likely benign. Last evaluated: 2026-01-05. Review status: criteria provided, single submitter. Criteria: Invitae Variant Classification Sherloc (09022015). Collection method: clinical testing. Allele origin: germline.

Blueprint Genetics
Classification: Likely benign. Last evaluated: 2023-03-01. Review status: criteria provided, single submitter. Criteria: ACMG Guidelines, 2015. Collection method: clinical testing. Allele origin: germline.

GeneDx
Classification: Likely benign. Last evaluated: 2020-11-02. Review status: criteria provided, single submitter. Criteria: GeneDx Variant Classification Process June 2021. Collection method: clinical testing. Allele origin: germline. Affected: yes.

PreventionGenetics, part of Exact Sciences
Classification: Likely benign for ADGRV1-related condition. Last evaluated: 2019-10-15. Review status: no assertion criteria provided. Collection method: clinical testing. Allele origin: germline. Not counted in ClinVar's aggregate classification.
Comment: This variant is classified as likely benign based on ACMG/AMP sequence variant interpretation guidelines (Richards et al. 2015 PMID: 25741868, with internal and published modifications).